The following is an entry in ClinVar:

NM_003280.3(TNNC1):c.158C>A (p.Thr53Asn)

Gene: TNNC1 (troponin C1, slow skeletal and cardiac type; minus strand). Cytogenetic location: 3p21.1.
Variant type: single nucleotide variant.
Coding change: c.158C>A on transcript NM_003280.3 (MANE Select); coding-DNA position 158, C replaced by A.
Protein change: p.Thr53Asn; replaces threonine 53 with asparagine.
Molecular consequence: missense variant.
Genome position (GRCh38, 1-based): chr3:52,452,150, G>T on the plus strand (C>A on the coding strand, the complement: TNNC1 is on the minus strand). VCF-style: chr3-52452150-G-T. GRCh37 (hg19) VCF-style: chr3-52486166-G-T.
Other names: short protein forms T53N.
Identifiers: ClinVar variation 1775877 (VCV001775877.2), dbSNP rs2471444614, ClinGen allele CA353168510.

ClinVar aggregate classification (germline): Uncertain significance (1 of 4 stars; one submission).

Conditions:
Cardiovascular phenotype. Identifiers: MedGen CN230736.

Submission:

Ambry Genetics
Classification: Uncertain significance for Cardiovascular phenotype. Last evaluated: 2018-11-08. Review status: criteria provided, single submitter. Criteria: Ambry Variant Classification Scheme 2023. Collection method: clinical testing. Allele origin: germline.
Comment: The p.T53N variant (also known as c.158C>A), located in coding exon 3 of the TNNC1 gene, results from a C to A substitution at nucleotide position 158. The threonine at codon 53 is replaced by asparagine, an amino acid with similar properties. This amino acid position is highly conserved in available vertebrate species. In addition, the in silico prediction for this alteration is inconclusive. Since supporting evidence is limited at this time, the clinical significance of this alteration remains unclear.